The following is an entry in ClinVar:

ClinVar aggregate classification (germline): Uncertain significance (1 of 4 stars; one submission).

Conditions:
Cohen syndrome (COH1). Also called: PEPPER SYNDROME; Cutis verticis gyrata, retinitis pigmentosa, and sensorineural deafness. Identifiers: Orphanet 193, MedGen C0265223, MONDO:0008999, OMIM 216550.

Submission:

Labcorp Genetics (formerly Invitae), Labcorp
Classification: Uncertain significance for Cohen syndrome. Last evaluated: 2021-09-24. Review status: criteria provided, single submitter. Criteria: Invitae Variant Classification Sherloc (09022015). Collection method: clinical testing. Allele origin: germline.
Comment: This sequence change replaces glutamine with histidine at codon 381 of the VPS13B protein (p.Gln381His). The glutamine residue is weakly conserved and there is a small physicochemical difference between glutamine and histidine. This variant is not present in population databases (ExAC no frequency). This variant has not been reported in the literature in individuals with VPS13B-related conditions. Algorithms developed to predict the effect of missense changes on protein structure and function are either unavailable or do not agree on the potential impact of this missense change (SIFT: "Not Available"; PolyPhen-2: "Benign"; Align-GVGD: "Not Available"). In summary, the available evidence is currently insufficient to determine the role of this variant in disease. Therefore, it has been classified as a Variant of Uncertain Significance.

NM_152564.5(VPS13B):c.1143G>C (p.Gln381His)

Gene: VPS13B (vacuolar protein sorting 13 homolog B; plus strand). Cytogenetic location: 8q22.2.
Variant type: single nucleotide variant.
Coding change: c.1143G>C on transcript NM_152564.5 (MANE Select); coding-DNA position 1143, G replaced by C.
Protein change: p.Gln381His; replaces glutamine 381 with histidine.
Molecular consequence: missense variant. On other transcripts: non-coding transcript variant (1).
Genome position (GRCh38, 1-based): chr8:99,121,382, G>C. VCF-style: chr8-99121382-G-C. GRCh37 (hg19) VCF-style: chr8-100133610-G-C.
Other names: c.1143G>C, p.Gln381His (NM_015243.3, NM_017890.5, NM_181661.3); short protein forms Q381H.
Identifiers: ClinVar variation 1473320 (VCV001473320.5), dbSNP rs2132516543, ClinGen allele CA371861215.
Genomic context (GRCh38, chr8:99,121,382, plus strand): 5'-TGGCGAGGAAGACTTTGTTGGGAACGATCCTGCATCAACCATGCATCAACAAAAAGCACA[G>C]ACTTTGAAGGATCCTATTGTTTCTATAGGATTTTATTGCACAAAGGCAACGGTGACTTTC-3'
Protein context (NP_689777.3, residues 371-391): PASTMHQQKA[Gln381His]TLKDPIVSIG